The following is an entry in ClinVar:

ClinVar aggregate classification (germline): Uncertain significance (1 of 4 stars; one submission).

Submission:

Ambry Genetics
Classification: Uncertain significance. Last evaluated: 2023-03-17. Review status: criteria provided, single submitter. Criteria: Ambry Variant Classification Scheme 2023. Collection method: clinical testing. Allele origin: germline.
Comment: The p.K910N variant (also known as c.2730G>T), located in coding exon 1 of the MLH3 gene, results from a G to T substitution at nucleotide position 2730. The lysine at codon 910 is replaced by asparagine, an amino acid with similar properties. This amino acid position is conserved. In addition, this alteration is predicted to be tolerated by in silico analysis. Since supporting evidence is limited at this time, the clinical significance of this alteration remains unclear.

NM_001040108.2(MLH3):c.2730G>T (p.Lys910Asn)

Gene: MLH3 (mutL homolog 3; minus strand). Cytogenetic location: 14q24.3.
Variant type: single nucleotide variant.
Coding change: c.2730G>T on transcript NM_001040108.2 (MANE Select); coding-DNA position 2730, G replaced by T.
Protein change: p.Lys910Asn; replaces lysine 910 with asparagine.
Molecular consequence: missense variant.
Genome position (GRCh38, 1-based): chr14:75,046,926, C>A on the plus strand (G>T on the coding strand, the complement: MLH3 is on the minus strand). VCF-style: chr14-75046926-C-A. GRCh37 (hg19) VCF-style: chr14-75513629-C-A.
Other names: c.2730G>T, p.Lys910Asn (NM_014381.3); short protein forms K910N.
Identifiers: ClinVar variation 2563521 (VCV002563521.2), dbSNP rs553522059, ClinGen allele CA390438808.